The following is an entry in ClinVar:

NM_018941.4(CLN8):c.598A>T (p.Met200Leu)

Gene: CLN8 (CLN8 transmembrane ER and ERGIC protein; plus strand). Cytogenetic location: 8p23.3.
Variant type: single nucleotide variant.
Coding change: c.598A>T on transcript NM_018941.4 (MANE Select); coding-DNA position 598, A replaced by T.
Protein change: p.Met200Leu; replaces methionine 200 with leucine.
Molecular consequence: missense variant.
Genome position (GRCh38, 1-based): chr8:1,780,304, A>T. VCF-style: chr8-1780304-A-T. GRCh37 (hg19) VCF-style: chr8-1728470-A-T.
Other names: short protein forms M200L.
Identifiers: ClinVar variation 656226 (VCV000656226.1), dbSNP rs749595247, ClinGen allele CA369953921.
Genomic context (GRCh38, chr8:1,780,304, plus strand): 5'-ATGCAGGCGGGCTGGTCCGAGTCTCTGTTTTGGAAGCTCAACCAGTGGCTGATGATTCAC[A>T]TGTTTCACTGCCGCATGGTTCTAACCTACCACATGTGGTGGGTGTGTTTCTGGCACTGGG-3'
Protein context (NP_061764.2, residues 190-210): WKLNQWLMIH[Met200Leu]FHCRMVLTYH

ClinVar aggregate classification (germline): Uncertain significance (1 of 4 stars; one submission).

Conditions:
Neuronal ceroid lipofuscinosis. Also called: Neuronal Ceroid Lipofuscinoses. Identifiers: Orphanet 216, Orphanet 79263, MedGen C0027877, MONDO:0016295. Disease mechanism: loss of function.

gnomAD v4.1: 1 of 1,614,208 alleles (0.000062%); highest among the groups gnomAD compares: Non-Finnish European, 0.000085%; no homozygotes.

Submission:

Labcorp Genetics (formerly Invitae), Labcorp
Classification: Uncertain significance for Neuronal ceroid lipofuscinosis. Last evaluated: 2018-09-14. Review status: criteria provided, single submitter. Criteria: Invitae Variant Classification Sherloc (09022015). Collection method: clinical testing. Allele origin: germline.
Comment: This sequence change replaces methionine with leucine at codon 200 of the CLN8 protein (p.Met200Leu). The methionine residue is highly conserved and there is a small physicochemical difference between methionine and leucine. This variant is not present in population databases (ExAC no frequency). This variant has not been reported in the literature in individuals with CLN8-related disease. Algorithms developed to predict the effect of missense changes on protein structure and function output the following: SIFT: "Tolerated"; PolyPhen-2: "Benign"; Align-GVGD: "Class C0". The leucine amino acid residue is found in multiple mammalian species, suggesting that this missense change does not adversely affect protein function. These predictions have not been confirmed by published functional studies and their clinical significance is uncertain. In summary, the available evidence is currently insufficient to determine the role of this variant in disease. Therefore, it has been classified as a Variant of Uncertain Significance.